The following is an entry in ClinVar:

NM_001267550.2(TTN):c.31114G>C (p.Glu10372Gln)

Gene: TTN (titin; minus strand). Cytogenetic location: 2q31.2.
Variant type: single nucleotide variant.
Coding change: c.31114G>C on transcript NM_001267550.2 (MANE Select); coding-DNA position 31114, G replaced by C.
Protein change: p.Glu10372Gln; replaces glutamic acid 10372 with glutamine.
Molecular consequence: missense variant. On other transcripts: intron variant (3).
Genome position (GRCh38, 1-based): chr2:178,695,958, C>G on the plus strand (G>C on the coding strand, the complement: TTN is on the minus strand). VCF-style: chr2-178695958-C-G. GRCh37 (hg19) VCF-style: chr2-179560685-C-G.
Other names: p.E10055Q:GAA>CAA; c.30163G>C, p.Glu10055Gln (NM_001256850.1); c.27382G>C, p.Glu9128Gln (NM_133378.4); c.13282+42124G>C (NM_003319.4); c.13858+42124G>C (NM_133437.4); c.13657+42124G>C (NM_133432.3); c.31114G>C (NM_001267550.1); short protein forms E10055Q, E10372Q, E9128Q.
Identifiers: ClinVar variation 202560 (VCV000202560.53), dbSNP rs200831060, ClinGen allele CA309590.

ClinVar aggregate classification (germline): Conflicting classifications of pathogenicity. Review status: criteria provided, conflicting classifications (1 of 4 stars). 16 submissions from 12 submitters: Uncertain significance (9); Benign (2); Likely benign (2). 3 of the submissions do not count toward it. Last evaluated 2025-04-09.

Conditions:
TTN-related disorder. Also called: TTN-related condition; TTN-related disease; TTN-related disorders.
Autosomal recessive limb-girdle muscular dystrophy type 2J (LGMDR10). Also called: Limb-girdle muscular dystrophy, type 2J; MUSCULAR DYSTROPHY, LIMB-GIRDLE, AUTOSOMAL RECESSIVE 10. Identifiers: Orphanet 140922, MedGen C1837342, MONDO:0012127, OMIM 608807.
Dilated cardiomyopathy 1G (CMD1G). Identifiers: Orphanet 154, MedGen C1858763, MONDO:0011400, OMIM 604145.
Early-onset myopathy with fatal cardiomyopathy (CMYO5). Also called: Salih Myopathy; CONGENITAL MYOPATHY 5 WITH CARDIOMYOPATHY. Identifiers: Orphanet 289377, MedGen C2673677, MONDO:0012714, OMIM 611705. Disease mechanism: loss of function.
Tibial muscular dystrophy (TMD). Also called: Tibial muscular dystrophy, tardive; UDD MYOPATHY; Udd Distal Myopathy – Tibial Muscular Dystrophy. Identifiers: Orphanet 609, MedGen C1838244, MONDO:0010870, OMIM 600334.
Myopathy, myofibrillar, 9, with early respiratory failure (MFM9). Also called: EDSTROM MYOPATHY; MYOPATHY, PROXIMAL, WITH EARLY RESPIRATORY MUSCLE INVOLVEMENT; Myopathy, distal, with early respiratory failure, autosomal dominant; Hereditary myopathy with early respiratory failure. Identifiers: Orphanet 178464, Orphanet 34521, MedGen C1863599, MONDO:0011362, OMIM 603689.

Allele frequency attached by ClinVar (database versions not stated): ExAC 0.00012; gnomAD exomes 0.00013 and 0.00017; TOPMed 0.00015; gnomAD 0.00019 and 0.00020; ESP Exome Variant Server 0.00034.
gnomAD v4.1: 256 of 1,535,220 alleles (0.017%); highest among the groups gnomAD compares: Non-Finnish European, 0.02%; no homozygotes.

Submissions (16):

Molecular Diagnostic Laboratory for Inherited Cardiovascular Disease, Montreal Heart Institute
Classification: Likely benign. Last evaluated: 2025-04-09. Review status: criteria provided, single submitter. Criteria: ACMG Guidelines, 2015. Collection method: clinical testing. Allele origin: germline. Affected: no.
Comment: BS1;BP1

CeGaT Center for Human Genetics Tuebingen
Classification: Uncertain significance. Last evaluated: 2024-02-01. Review status: criteria provided, single submitter. Criteria: CeGaT Center For Human Genetics Tuebingen Variant Classification Criteria Version 2. Collection method: clinical testing. Allele origin: germline. Affected: yes. Observed: 1 variant allele.

Women's Health and Genetics/Laboratory Corporation of America, LabCorp
Classification: Uncertain significance. Last evaluated: 2023-09-16. Review status: criteria provided, single submitter. Criteria: LabCorp Variant Classification Summary - May 2015. Collection method: clinical testing. Allele origin: germline.

Athena Diagnostics
Classification: Uncertain significance. Last evaluated: 2022-08-01. Review status: criteria provided, single submitter. Criteria: Athena Diagnostics Criteria. Collection method: clinical testing. Allele origin: unknown.

Revvity Omics, Revvity
Classification: Uncertain significance. Last evaluated: 2022-04-20. Review status: criteria provided, single submitter. Criteria: ACMG Guidelines, 2015. Collection method: clinical testing. Allele origin: germline.

GeneDx
Classification: Likely benign. Last evaluated: 2021-04-19. Review status: criteria provided, single submitter. Criteria: GeneDx Variant Classification Process June 2021. Collection method: clinical testing. Allele origin: germline. Affected: yes.

Eurofins Ntd Llc (ga)
Classification: Uncertain significance. Last evaluated: 2018-05-31. Review status: criteria provided, single submitter. Criteria: EGL ClinVar v180209 classification definitions. Collection method: clinical testing. Allele origin: germline. Observed: 1 variant allele, 1 heterozygote.

Illumina Laboratory Services, Illumina
Classification: Benign for Myopathy, myofibrillar, 9, with early respiratory failure. Last evaluated: 2018-01-13. Review status: criteria provided, single submitter. Criteria: ICSL Variant Classification Criteria 13 December 2019. Collection method: clinical testing. Allele origin: germline.
Comment: This variant was observed in the ICSL laboratory as part of a predisposition screen in an ostensibly healthy population. It had not been previously curated by ICSL or reported in the Human Gene Mutation Database (HGMD: prior to June 1st, 2018), and was therefore a candidate for classification through an automated scoring system. Utilizing variant allele frequency, disease prevalence and penetrance estimates, and inheritance mode, an automated score was calculated to assess if this variant is too frequent to cause the disease. Based on the score and internal cut-off values, a variant classified as benign is not then subjected to further curation. The score for this variant resulted in a classification of benign for this disease.

Illumina Laboratory Services, Illumina
Classification: Uncertain significance for Autosomal recessive limb-girdle muscular dystrophy type 2J. Last evaluated: 2018-01-13. Review status: criteria provided, single submitter. Criteria: ICSL Variant Classification Criteria 13 December 2019. Collection method: clinical testing. Allele origin: germline.

Illumina Laboratory Services, Illumina
Classification: Benign for Tibial muscular dystrophy. Last evaluated: 2018-01-13. Review status: criteria provided, single submitter. Criteria: ICSL Variant Classification Criteria 13 December 2019. Collection method: clinical testing. Allele origin: germline.
Comment: the same text as in the submission from Illumina Laboratory Services, Illumina above.

Illumina Laboratory Services, Illumina
Classification: Uncertain significance for Dilated cardiomyopathy 1G. Last evaluated: 2018-01-13. Review status: criteria provided, single submitter. Criteria: ICSL Variant Classification Criteria 13 December 2019. Collection method: clinical testing. Allele origin: germline.

Illumina Laboratory Services, Illumina
Classification: Uncertain significance for Early-onset myopathy with fatal cardiomyopathy. Last evaluated: 2018-01-13. Review status: criteria provided, single submitter. Criteria: ICSL Variant Classification Criteria 13 December 2019. Collection method: clinical testing. Allele origin: germline.

Labcorp Genetics (formerly Invitae), Labcorp
Classification: Uncertain significance for Dilated cardiomyopathy 1G; Autosomal recessive limb-girdle muscular dystrophy type 2J. Last evaluated: 2017-09-27. Review status: criteria provided, single submitter. Criteria: Invitae Variant Classification Sherloc (09022015). Collection method: clinical testing. Allele origin: germline.

PreventionGenetics, part of Exact Sciences
Classification: Uncertain significance for TTN-related condition. Last evaluated: 2024-01-02. Review status: no assertion criteria provided. Collection method: clinical testing. Allele origin: germline. Not counted in ClinVar's aggregate classification.
Comment: The TTN c.31114G>C variant is predicted to result in the amino acid substitution p.Glu10372Gln. To our knowledge, this variant has not been reported in the literature. This variant is reported in 0.031% of alleles in individuals of European (Finnish) descent in gnomAD. At this time, the clinical significance of this variant is uncertain due to the absence of conclusive functional and genetic evidence.

Genome Diagnostics Laboratory, Amsterdam University Medical Center
Classification: Uncertain significance. Review status: no assertion criteria provided. Collection method: clinical testing. Allele origin: germline. Affected: yes. Study: VKGL Data-share Consensus. Not counted in ClinVar's aggregate classification.

Joint Genome Diagnostic Labs from Nijmegen and Maastricht, Radboudumc and MUMC+
Classification: Uncertain significance. Review status: no assertion criteria provided. Collection method: clinical testing. Allele origin: germline. Affected: yes. Study: VKGL Data-share Consensus. Not counted in ClinVar's aggregate classification.